The following is an entry in ClinVar:

NM_001112741.2(KCNC1):c.1378A>G (p.Ile460Val)

Gene: KCNC1 (potassium voltage-gated channel subfamily C member 1; plus strand). Cytogenetic location: 11p15.1.
Variant type: single nucleotide variant.
Coding change: c.1378A>G on transcript NM_001112741.2 (MANE Select); coding-DNA position 1378, A replaced by G.
Protein change: p.Ile460Val; replaces isoleucine 460 with valine.
Molecular consequence: missense variant.
Genome position (GRCh38, 1-based): chr11:17,772,472, A>G. VCF-style: chr11-17772472-A-G. GRCh37 (hg19) VCF-style: chr11-17794019-A-G.
Other names: c.1378A>G, p.Ile460Val (NM_004976.4); short protein forms I460V.
Identifiers: ClinVar variation 2848189 (VCV002848189.3), dbSNP rs1217966685, ClinGen allele CA379809973.

ClinVar aggregate classification (germline): Uncertain significance (1 of 4 stars; one submission).

Conditions:
Progressive myoclonic epilepsy type 7. Identifiers: Orphanet 435438, MedGen C4015420, MONDO:0014521, OMIM 616187.

Allele frequency attached by ClinVar (database versions not stated): TOPMed below 0.00001; gnomAD 0.00001; gnomAD exomes below 0.00001.
gnomAD v4.1: 6 of 1,614,090 alleles (0.00037%); highest among the groups gnomAD compares: Middle Eastern, 0.016%; no homozygotes.

Submission:

Labcorp Genetics (formerly Invitae), Labcorp
Classification: Uncertain significance for Progressive myoclonic epilepsy type 7. Last evaluated: 2025-06-15. Review status: criteria provided, single submitter. Criteria: Invitae Variant Classification Sherloc (09022015). Collection method: clinical testing. Allele origin: germline.
Comment: This sequence change replaces isoleucine, which is neutral and non-polar, with valine, which is neutral and non-polar, at codon 460 of the KCNC1 protein (p.Ile460Val). This variant is present in population databases (no rsID available, gnomAD 0.005%). This variant has not been reported in the literature in individuals affected with KCNC1-related conditions. ClinVar contains an entry for this variant (Variation ID: 2848189). Invitae Evidence Modeling of protein sequence and biophysical properties (such as structural, functional, and spatial information, amino acid conservation, physicochemical variation, residue mobility, and thermodynamic stability) indicates that this missense variant is not expected to disrupt KCNC1 protein function with a negative predictive value of 80%. In summary, the available evidence is currently insufficient to determine the role of this variant in disease. Therefore, it has been classified as a Variant of Uncertain Significance.